The following is an entry in ClinVar:

NM_000271.5(NPC1):c.2017_2018del (p.Gly673fs)

Gene: NPC1 (NPC intracellular cholesterol transporter 1; minus strand). Cytogenetic location: 18q11.2.
Variant type: Deletion.
Coding change: c.2017_2018del on transcript NM_000271.5 (MANE Select); coding-DNA positions 2017 to 2018, 2 bases deleted (GG; older notation c.2017_2018delGG).
Protein change: p.Gly673fs; shifts the reading frame from glycine 673.
Molecular consequence: frameshift variant.
Genome position (GRCh38, 1-based): chr18:23,544,456-23,544,457, CC deleted on the plus strand (GG on the coding strand, the reverse complement: NPC1 is on the minus strand); deleting any 2 consecutive bases within chr18:23,544,456-23,544,458 gives the same sequence; the c. name uses the placement nearest the transcript's 3' end. VCF-style (leftmost placement, unchanged base first): chr18-23544455-ACC-A. GRCh37 (hg19) VCF-style: chr18-21124419-ACC-A.
Other names: short protein forms G673fs.
Identifiers: ClinVar variation 5014321 (VCV005014321.1).
Genomic context (GRCh38, chr18:23,544,455, plus strand): 5'-CAGGAACGGGATGACTTCAATCACAATGAGGGTCAAGGGCAACCCAATGTAGCTGAAGAC[ACC>A]CAAGGAGCAAGCCACCGAGCTCAGCACGATCAAGATGCCCGCGATGCCTAGTGAGACCTT-3'

ClinVar aggregate classification (germline): Pathogenic (1 of 4 stars; one submission).

Conditions:
Niemann-Pick disease, type C1. Also called: NEUROVISCERAL STORAGE DISEASE WITH VERTICAL SUPRANUCLEAR OPHTHALMOPLEGIA; NIEMANN-PICK DISEASE WITH CHOLESTEROL ESTERIFICATION BLOCK; NIEMANN-PICK DISEASE WITHOUT SPHINGOMYELINASE DEFICIENCY; NIEMANN-PICK DISEASE, CHRONIC NEURONOPATHIC FORM; NIEMANN-PICK DISEASE, VARIANT TYPE C1. Identifiers: Orphanet 646, MedGen C3179455, MONDO:0009757, OMIM 257220.

Submission:

Myriad Genetics, Inc.
Classification: Pathogenic for Niemann-Pick disease, type C1. Last evaluated: 2025-04-10. Review status: criteria provided, single submitter. Criteria: Myriad Autosomal Dominant, Autosomal Recessive and X-Linked Classification Criteria (2023). Collection method: clinical testing. Allele origin: unknown.
Comment: NM_000271.4(NPC1):c.2017_2018delGG(G673Cfs*15) is expected to be pathogenic in the context of Niemann-Pick disease type C1. This variant is predicted to lead to an abnormal or absent protein product due to the creation of a premature termination codon in NPC1, a gene where loss-of-function variants are known to be pathogenic. Please note: this variant was assessed in the context of healthy population screening.